The following is an entry in ClinVar:

NM_152387.4(KCTD18):c.1101C>T (p.Ser367=)

Gene: KCTD18 (potassium channel tetramerization domain containing 18; minus strand). Cytogenetic location: 2q33.1.
Variant type: single nucleotide variant.
Coding change: c.1101C>T on transcript NM_152387.4 (MANE Select); coding-DNA position 1101, C replaced by T.
Protein change: p.Ser367=; no amino-acid change (serine 367 retained).
Molecular consequence: synonymous variant.
Genome position (GRCh38, 1-based): chr2:200,490,280, G>A on the plus strand (C>T on the coding strand, the complement: KCTD18 is on the minus strand). VCF-style: chr2-200490280-G-A. GRCh37 (hg19) VCF-style: chr2-201355003-G-A.
Other names: c.1101C>T, p.Ser367= (NM_001321547.2); c.474C>T, p.Ser158= (NM_001321548.2, NM_001321550.2).
Identifiers: ClinVar variation 3048682 (VCV003048682.2), dbSNP rs114104780, ClinGen allele CA2047508.

ClinVar aggregate classification (germline): Likely benign (0 of 4 stars; one submission).

Conditions:
KCTD18-related disorder. Also called: KCTD18-related condition.

Allele frequency attached by ClinVar (database versions not stated): 1000 Genomes Project 0.00020; 1000 Genomes Project 30x 0.00031; ExAC 0.00036; TOPMed 0.00040; gnomAD 0.00047; gnomAD exomes 0.00087; ESP Exome Variant Server 0.00092.
gnomAD v4.1: 1,319 of 1,614,214 alleles (0.082%); highest among the groups gnomAD compares: Non-Finnish European, 0.1%; no homozygotes.

Submission:

PreventionGenetics, part of Exact Sciences
Classification: Likely benign for KCTD18-related condition. Last evaluated: 2019-03-14. Review status: no assertion criteria provided. Collection method: clinical testing. Allele origin: germline.
Comment: This variant is classified as likely benign based on ACMG/AMP sequence variant interpretation guidelines (Richards et al. 2015 PMID: 25741868, with internal and published modifications).